The following is an entry in ClinVar:

ClinVar aggregate classification (germline): Pathogenic/Likely pathogenic. Review status: criteria provided, multiple submitters, no conflicts (2 of 4 stars). 3 submissions from 3 submitters: Pathogenic (2); Likely pathogenic (1). Last evaluated 2026-08-06.

Conditions:
Muscular dystrophy-dystroglycanopathy (congenital with impaired intellectual development), type B, 2. Also called: MUSCULAR DYSTROPHY, CONGENITAL, POMT2-RELATED; Muscular dystrophy-dystroglycanopathy (congenital with intellectual disability), type B2. Identifiers: MedGen C3150416, MONDO:0013160, OMIM 613156.
POMT2-related disorder. Also called: POMT2-related condition.
Muscular dystrophy-dystroglycanopathy (congenital with brain and eye anomalies), type A2. Also called: MUSCULAR DYSTROPHY-DYSTROGLYCANOPATHY (CONGENITAL WITH BRAIN AND EYE ANOMALIES), TYPE A, 2; WALKER-WARBURG SYNDROME OR MUSCLE-EYE-BRAIN DISEASE, POMT2-RELATED. Identifiers: Orphanet 588, Orphanet 899, MedGen C3150411, MONDO:0013154, OMIM 613150.
Autosomal recessive limb-girdle muscular dystrophy type 2N. Also called: MUSCULAR DYSTROPHY-DYSTROGLYCANOPATHY, LIMB-GIRDLE, POMT2-RELATED; Muscular dystrophy-dystroglycanopathy (limb-girdle), type C, 2. Identifiers: Orphanet 206559, MedGen C3150418, MONDO:0013162, OMIM 613158.

Submissions (3):

OLLIN Analises Genomicas, OLLIN
Classification: Likely pathogenic for Muscular dystrophy-dystroglycanopathy (congenital with impaired intellectual development), type B, 2. Last evaluated: 2026-08-06. Review status: criteria provided, single submitter. Criteria: ACMG Guidelines 2015 PMID 25741868. Collection method: clinical testing. Allele origin: germline.
Comment: This frameshift variant, located in exon 7 (of 21), has been reported in ClinVar (accession VCV001433335.7) and in gnomAD with an allele frequency of 0.0018%. However, to our knowledge, it has not been reported in the scientific literature. This variant causes a frameshift and introduces a premature stop codon, which is predicted to result in either a truncated protein or degradation of the mRNA via nonsense-mediated decay (NMD). According to the currently available evidence, this variant has been classified as likely pathogenic (PVS1, PM2_P).

Labcorp Genetics (formerly Invitae), Labcorp
Classification: Pathogenic for Muscular dystrophy-dystroglycanopathy (congenital with impaired intellectual development), type B, 2; Muscular dystrophy-dystroglycanopathy (congenital with brain and eye anomalies), type A2; Autosomal recessive limb-girdle muscular dystrophy type 2N. Last evaluated: 2025-03-27. Review status: criteria provided, single submitter. Criteria: Invitae Variant Classification Sherloc (09022015). Collection method: clinical testing. Allele origin: germline.
Comment: This sequence change creates a premature translational stop signal (p.Thr295Serfs*12) in the POMT2 gene. It is expected to result in an absent or disrupted protein product. Loss-of-function variants in POMT2 are known to be pathogenic (PMID: 15894594). This variant is present in population databases (rs752440109, gnomAD 0.003%). This variant has not been reported in the literature in individuals affected with POMT2-related conditions. Algorithms developed to predict the effect of sequence changes on RNA splicing suggest that this variant may disrupt the consensus splice site. For these reasons, this variant has been classified as Pathogenic.

3billion
Classification: Pathogenic for POMT2-related disorder. Last evaluated: 2024-07-25. Review status: criteria provided, single submitter. Criteria: ACMG Guidelines, 2015. Collection method: clinical testing. Allele origin: germline. Affected: yes.
Comment: The variant is observed at an extremely low frequency in the gnomAD v4.0.0 dataset (total allele frequency: 0.002%). Predicted Consequence/Location: Frameshift: predicted to result in a loss or disruption of normal protein function through nonsense-mediated decay (NMD) or protein truncation. Multiple pathogenic variants are reported downstream of the variant. The variant has been reported to be associated with POMT2-related disorder (ClinVar ID: VCV001433335). Therefore, this variant is classified as Pathogenic according to the recommendation of ACMG/AMP guideline.

Literature cited by the submitters: PubMed 15894594 (cited by Labcorp Genetics (formerly Invitae), Labcorp).

NM_013382.7(POMT2):c.879_880del (p.Thr295fs)

Gene: POMT2 (protein O-mannosyltransferase 2; minus strand). Cytogenetic location: 14q24.3.
Variant type: Microsatellite.
Coding change: c.879_880del on transcript NM_013382.7 (MANE Select); coding-DNA positions 879 to 880, 2 bases deleted (CT; older notation c.879_880delCT).
Protein change: p.Thr295fs; shifts the reading frame from threonine 295.
Molecular consequence: frameshift variant.
Genome position (GRCh38, 1-based): chr14:77,299,498-77,299,499, AG deleted on the plus strand (CT on the coding strand, the reverse complement: POMT2 is on the minus strand); deleting any 2 consecutive bases within chr14:77,299,498-77,299,503 gives the same sequence; the c. name uses the placement nearest the transcript's 3' end. VCF-style (leftmost placement, unchanged base first): chr14-77299497-TAG-T. GRCh37 (hg19) VCF-style: chr14-77765840-TAG-T.
Other names: short protein forms T295fs.
Identifiers: ClinVar variation 1433335 (VCV001433335.8), dbSNP rs752440109, ClinGen allele CA7286056.